The following is an entry in ClinVar:

ClinVar aggregate classification (germline): Uncertain significance. Review status: criteria provided, single submitter (1 of 4 stars). 2 submissions from 2 submitters: Uncertain significance (1). 1 of the submissions does not count toward it. Last evaluated 2023-02-14.

Conditions:
Retinal dystrophy. Also called: Inherited retinal dystrophy. Identifiers: Orphanet 71862, MedGen C0854723, MeSH D058499, MONDO:0019118, HP:0000556.

Submissions (2):

Labcorp Genetics (formerly Invitae), Labcorp
Classification: Uncertain significance. Last evaluated: 2023-02-14. Review status: criteria provided, single submitter. Criteria: Invitae Variant Classification Sherloc (09022015). Collection method: clinical testing. Allele origin: germline.
Comment: This sequence change affects an acceptor splice site in intron 14 of the AGBL5 gene. While this variant is not anticipated to result in nonsense mediated decay, it likely alters RNA splicing and results in a disrupted protein product. This variant is not present in population databases (gnomAD no frequency). This variant has not been reported in the literature in individuals affected with AGBL5-related conditions. Variants that disrupt the consensus splice site are a relatively common cause of aberrant splicing (PMID: 17576681, 9536098). Algorithms developed to predict the effect of sequence changes on RNA splicing suggest that this variant may disrupt the consensus splice site. In summary, the available evidence is currently insufficient to determine the role of this variant in disease. Therefore, it has been classified as a Variant of Uncertain Significance.

Institute of Human Genetics, Univ. Regensburg, Univ. Regensburg
Classification: Pathogenic for Retinal dystrophy. Last evaluated: 2017-01-01. Review status: no assertion criteria provided. Criteria: ACMG Guidelines, 2015. Collection method: clinical testing. Allele origin: germline. Affected: yes. Not counted in ClinVar's aggregate classification.

Literature cited by the submitters: PubMed 17576681 (cited by Labcorp Genetics (formerly Invitae), Labcorp); PubMed 9536098 (cited by Labcorp Genetics (formerly Invitae), Labcorp).

NM_021831.6(AGBL5):c.2490-2A>G

Gene: AGBL5 (AGBL carboxypeptidase 5; plus strand). Cytogenetic location: 2p23.3.
Variant type: single nucleotide variant.
Coding change: c.2490-2A>G on transcript NM_021831.6 (MANE Select); the canonical splice acceptor site of the intron before coding-DNA position 2490, A replaced by G.
Molecular consequence: splice acceptor variant.
Genome position (GRCh38, 1-based): chr2:27,070,090, A>G. VCF-style: chr2-27070090-A-G. GRCh37 (hg19) VCF-style: chr2-27292958-A-G.
Identifiers: ClinVar variation 2835474 (VCV002835474.4), dbSNP rs2465563533, ClinGen allele CA346142677.
Genomic context (GRCh38, chr2:27,070,090, plus strand): 5'-TAGCAGAACAGAAGAGGAGGAGAGTTTTCACAGCCCTGATTCCTCTCTCTTTTCTGTTGC[A>G]GGCTGCCTCAGGCCAGGCCCCCACGGCCCCGCTCTGCCCCTGCCTTTTCTCCTATATCCT-3'